The following is an entry in ClinVar:

ClinVar aggregate classification (germline): Benign. Review status: criteria provided, multiple submitters, no conflicts (2 of 4 stars). 7 submissions from 7 submitters: Benign (6). 1 of the submissions does not count toward it. Last evaluated 2026-01-19.

Conditions:
INF2-related disorder. Also called: INF2-related condition.
Focal segmental glomerulosclerosis 5 (FSGS5). Identifiers: Orphanet 656, MedGen C2750475, MONDO:0013191, OMIM 613237.
Charcot-Marie-Tooth disease dominant intermediate E. Also called: CHARCOT-MARIE-TOOTH NEUROPATHY WITH FOCAL SEGMENTAL GLOMERULONEPHRITIS. Identifiers: Orphanet 93114, MedGen C4302667, MONDO:0013758, OMIM 614455.

Allele frequency attached by ClinVar (database versions not stated): gnomAD exomes 0.00047 and 0.00110; ExAC 0.00202; 1000 Genomes Project 0.00379; 1000 Genomes Project 30x 0.00422; gnomAD 0.00442 and 0.00483; TOPMed 0.00521; ESP Exome Variant Server 0.00522.

Submissions (7):

Labcorp Genetics (formerly Invitae), Labcorp
Classification: Benign for Charcot-Marie-Tooth disease dominant intermediate E; Focal segmental glomerulosclerosis 5. Last evaluated: 2026-01-19. Review status: criteria provided, single submitter. Criteria: Invitae Variant Classification Sherloc (09022015). Collection method: clinical testing. Allele origin: germline.

Mayo Clinic Laboratories, Mayo Clinic
Classification: Benign. Last evaluated: 2023-10-27. Review status: criteria provided, single submitter. Criteria: ACMG Guidelines, 2015. Collection method: clinical testing. Allele origin: germline. Observed: 11 variant alleles.
Comment: BA1, BS2, BP4

ARUP Laboratories, Molecular Genetics and Genomics, ARUP Laboratories
Classification: Benign. Last evaluated: 2020-03-13. Review status: criteria provided, single submitter. Criteria: ARUP Molecular Germline Variant Investigation Process. Collection method: clinical testing. Allele origin: germline.

Illumina Laboratory Services, Illumina
Classification: Benign for Focal segmental glomerulosclerosis 5. Last evaluated: 2018-01-12. Review status: criteria provided, single submitter. Criteria: ICSL Variant Classification Criteria 13 December 2019. Collection method: clinical testing. Allele origin: germline.
Comment: This variant was observed in the ICSL laboratory as part of a predisposition screen in an ostensibly healthy population. It had not been previously curated by ICSL or reported in the Human Gene Mutation Database (HGMD: prior to June 1st, 2018), and was therefore a candidate for classification through an automated scoring system. Utilizing variant allele frequency, disease prevalence and penetrance estimates, and inheritance mode, an automated score was calculated to assess if this variant is too frequent to cause the disease. Based on the score and internal cut-off values, a variant classified as benign is not then subjected to further curation. The score for this variant resulted in a classification of benign for this disease.

GeneDx
Classification: Benign. Last evaluated: 2017-11-14. Review status: criteria provided, single submitter. Criteria: GeneDx Variant Classification (06012015). Collection method: clinical testing. Allele origin: germline. Affected: yes.
Comment: This variant is considered likely benign or benign based on one or more of the following criteria: it is a conservative change, it occurs at a poorly conserved position in the protein, it is predicted to be benign by multiple in silico algorithms, and/or has population frequency not consistent with disease.

Breakthrough Genomics
Classification: Benign. Review status: criteria provided, single submitter. Criteria: ACMG Guidelines, 2015. Collection method: not provided. Allele origin: germline. Inheritance: Autosomal dominant inheritance. Affected: yes.

PreventionGenetics, part of Exact Sciences
Classification: Benign for INF2-related condition. Last evaluated: 2019-03-11. Review status: no assertion criteria provided. Collection method: clinical testing. Allele origin: germline. Not counted in ClinVar's aggregate classification.
Comment: This variant is classified as benign based on ACMG/AMP sequence variant interpretation guidelines (Richards et al. 2015 PMID: 25741868, with internal and published modifications).

NM_022489.4(INF2):c.1078G>A (p.Val360Ile)

Gene: INF2 (inverted formin 2; plus strand). Cytogenetic location: 14q32.33.
Variant type: single nucleotide variant.
Coding change: c.1078G>A on transcript NM_022489.4 (MANE Select); coding-DNA position 1078, G replaced by A.
Protein change: p.Val360Ile; replaces valine 360 with isoleucine.
Molecular consequence: missense variant.
Genome position (GRCh38, 1-based): chr14:104,707,345, G>A. VCF-style: chr14-104707345-G-A. GRCh37 (hg19) VCF-style: chr14-105173682-G-A.
Other names: p.Val360Ile; c.1078G>A, p.Val360Ile (NM_001031714.4); short protein forms V360I.
Identifiers: ClinVar variation 312683 (VCV000312683.63), dbSNP rs114820975, ClinGen allele CA7372505.